The following is an entry in ClinVar:

NM_004333.6(BRAF):c.1076A>G (p.Gln359Arg)

Genes: BRAF (B-Raf proto-oncogene, serine/threonine kinase; minus strand), LOC126860202 (BRD4-independent group 4 enhancer GRCh37_chr7:140493623-140494822; plus strand). Cytogenetic location: 7q34.
Variant type: single nucleotide variant.
Coding change: c.1076A>G on transcript NM_004333.6 (MANE Select); coding-DNA position 1076, A replaced by G.
Protein change: p.Gln359Arg; replaces glutamine 359 with arginine.
Molecular consequence: missense variant.
Genome position (GRCh38, 1-based): chr7:140,794,372, T>C on the plus strand (A>G on the coding strand, the complement: BRAF is on the minus strand). VCF-style: chr7-140794372-T-C. GRCh37 (hg19) VCF-style: chr7-140494172-T-C.
Other names: c.1076A>G, p.Gln359Arg (NM_001354609.2, NM_001374244.1, NM_001374258.1 and 4 more transcripts); c.1085A>G, p.Gln362Arg (NM_001378467.1); c.974A>G, p.Gln325Arg (NM_001378470.1); c.920A>G, p.Gln307Arg (NM_001378472.1, NM_001378473.1); c.812A>G, p.Gln271Arg (NM_001378475.1); short protein forms Q362R, Q271R, Q307R, Q325R, Q359R.
Identifiers: ClinVar variation 2115052 (VCV002115052.4), dbSNP rs1586186530, ClinGen allele CA369589814.

ClinVar aggregate classification (germline): Uncertain significance (1 of 4 stars; one submission).

Conditions:
RASopathy. Also called: rasopathies; Noonan spectrum disorder. Identifiers: Orphanet 536391, MedGen C5555857, MONDO:0021060.

Submission:

Labcorp Genetics (formerly Invitae), Labcorp
Classification: Uncertain significance for RASopathy. Last evaluated: 2022-03-20. Review status: criteria provided, single submitter. Criteria: Invitae Variant Classification Sherloc (09022015). Collection method: clinical testing. Allele origin: germline.
Comment: This sequence change replaces glutamine, which is neutral and polar, with arginine, which is basic and polar, at codon 359 of the BRAF protein (p.Gln359Arg). This variant is not present in population databases (gnomAD no frequency). This variant has not been reported in the literature in individuals affected with BRAF-related conditions. Advanced modeling of protein sequence and biophysical properties (such as structural, functional, and spatial information, amino acid conservation, physicochemical variation, residue mobility, and thermodynamic stability) performed at Invitae indicates that this missense variant is expected to disrupt BRAF protein function. In summary, the available evidence is currently insufficient to determine the role of this variant in disease. Therefore, it has been classified as a Variant of Uncertain Significance.